The following is an entry in ClinVar:

ClinVar aggregate classification (germline): Benign (1 of 4 stars; one submission).

Allele frequency attached by ClinVar (database versions not stated): 1000 Genomes Project 30x 0.00203; 1000 Genomes Project 0.00280; TOPMed 0.00688; gnomAD 0.00810 and 0.00849.

Submission:

CeGaT Center for Human Genetics Tuebingen
Classification: Benign. Last evaluated: 2023-02-01. Review status: criteria provided, single submitter. Criteria: CeGaT Center For Human Genetics Tuebingen Variant Classification Criteria Version 2. Collection method: clinical testing. Allele origin: germline. Affected: yes. Observed: 8 variant alleles.
Comment: NOD2: BS1, BS2

NM_001370466.1(NOD2):c.2382-1011C>T

Gene: NOD2 (nucleotide binding oligomerization domain containing 2; plus strand). Cytogenetic location: 16q12.1.
Variant type: single nucleotide variant.
Coding change: c.2382-1011C>T on transcript NM_001370466.1 (MANE Select); 1011 bases into the intron before coding-DNA position 2382, C replaced by T.
Molecular consequence: intron variant.
Genome position (GRCh38, 1-based): chr16:50,715,576, C>T. VCF-style: chr16-50715576-C-T. GRCh37 (hg19) VCF-style: chr16-50749487-C-T.
Other names: c.2463-1011C>T (NM_022162.3); c.2382-1011C>T (NM_001293557.2).
Identifiers: ClinVar variation 1701289 (VCV001701289.31), dbSNP rs146684845, ClinGen allele CA281267536.